The following is an entry in ClinVar:

NM_000238.4(KCNH2):c.508CTG[4] (p.Leu171_Ala172insLeuLeu)

Gene: KCNH2 (potassium voltage-gated channel subfamily H member 2; minus strand). Cytogenetic location: 7q36.1.
Variant type: Microsatellite.
Coding change: c.508CTG[4] on transcript NM_000238.4 (MANE Select); four copies in a row of the 3-base unit CTG starting at c.508; the reference has two copies in a row; two copies, 6 bases duplicated; also written c.508_513dup.
Protein change: p.Leu171_Ala172insLeuLeu.
Molecular consequence: inframe insertion. On other transcripts: inframe indel (7).
Genome position (GRCh38, 1-based): chr7:150,958,462-150,958,467, CAGCAG duplicated on the plus strand (CTGCTG on the coding strand, the reverse complement: KCNH2 is on the minus strand); duplicating any 6 consecutive bases within chr7:150,958,462-150,958,468 gives the same sequence; the position shown is the placement nearest the transcript's 3' end. VCF-style (leftmost placement, unchanged base first): chr7-150958461-C-CCAGCAG. GRCh37 (hg19) VCF-style: chr7-150655549-C-CCAGCAG.
Other names: c.508_513dup (NM_000238.3); c.507_509GCT[4], p.Leu171_Ala172insLeuLeu (NM_000238.3, NM_172056.3); c.219_221GCT[4], p.Leu75_Ala76insLeuLeu (NM_001406753.1, NM_001406756.1); c.330_332GCT[4], p.Leu112_Ala113insLeuLeu (NM_001406755.1); c.207_209GCT[4], p.Leu71_Ala72insLeuLeu (NM_001406757.1).
Identifiers: ClinVar variation 862653 (VCV000862653.14), dbSNP rs1801462189, ClinGen allele CA916080382.

ClinVar aggregate classification (germline): Uncertain significance. Review status: criteria provided, multiple submitters, no conflicts (2 of 4 stars). 3 submissions from 3 submitters: Uncertain significance (3). Last evaluated 2024-08-15.

Conditions:
Long QT syndrome 2 (LQT2). Identifiers: Orphanet 101016, Orphanet 768, MedGen C3150943, MONDO:0013367, OMIM 613688.
Long QT syndrome (LQTS). Identifiers: MedGen C0023976, MeSH D008133, MONDO:0002442. Disease mechanism: loss of function. Inheritance: Various modes of inheritance.

Submissions (3):

Blueprint Genetics
Classification: Uncertain significance. Last evaluated: 2024-08-15. Review status: criteria provided, single submitter. Criteria: ACMG Guidelines, 2015. Collection method: clinical testing. Allele origin: germline.

Victorian Clinical Genetics Services, Murdoch Childrens Research Institute
Classification: Uncertain significance for Long QT syndrome 2. Last evaluated: 2023-07-17. Review status: criteria provided, single submitter. Criteria: ACMG Guidelines, 2015. Collection method: clinical testing. Allele origin: germline. Inheritance: Autosomal dominant inheritance. Affected: yes.
Comment: Based on the classification scheme VCGS_Germline_v1.3.4, this variant is classified as VUS-3A. Following criteria are met: 0103 - Dominant negative and loss of function are known mechanisms of disease in this gene and are associated with long QT syndrome 2 (LQTS; MIM#613688). Gain of function is also a known mechanism associated with short QT syndrome 1 (MIM#609620) (OMIM, PMID: 10753933; PMID: 21777565). (I) 0107 - This gene is associated with autosomal dominant disease. (I) 0112 - The condition associated with this gene has incomplete penetrance (PMID: 20301308). (I) 0213 - In-frame insertion/deletion in a non-repetitive region that has moderate conservation. (SP) 0251 - This variant is heterozygous. (I) 0301 - Variant is absent from gnomAD (both v2 and v3). However, exome coverage in v2 is poor. (SP) 0604 - Variant is not located in an established domain, motif, hotspot or informative constraint region. (I) 0705 - No comparable in-frame variants have previous evidence for pathogenicity. (I) 0809 - Previous evidence of pathogenicity for this variant is inconclusive. This variant has been reported as a VUS, and observed in at least three individuals with sudden cardiac death or a history of long QT/arrhythmia (PMID: 17905336, ClinVar, personal communication). In one of the individuals, there was an additional canonical splice variant in the KCNQ1 gene (PMID: 17905336). (I) 0905 - No published segregation evidence has been identified for this variant. (I) 1010 - Functional evidence for this variant is inconclusive. An automated patch-clamp assay using transfected HEK293 cells showed p.(Leu170_Leu171dup), when co-expressed with wildtype KCNH2, has a reduced current density to 50% of wildtype and a normal channel deactivation (PMID: 35688147, presented to AGHA MDT 29/7/22 by the AGHA Functional Genomics KCNH2 phenotyping group). (I) 1208 - Inheritance information for this variant is not currently available in this individual. (I) Legend: (SP) - Supporting pathogenic, (I) - Information, (SB) - Supporting benign

Labcorp Genetics (formerly Invitae), Labcorp
Classification: Uncertain significance for Long QT syndrome. Last evaluated: 2021-05-11. Review status: criteria provided, single submitter. Criteria: Invitae Variant Classification Sherloc (09022015). Collection method: clinical testing. Allele origin: germline.
Comment: In summary, the available evidence is currently insufficient to determine the role of this variant in disease. Therefore, it has been classified as a Variant of Uncertain Significance. Experimental studies and prediction algorithms are not available for this variant, and the functional significance of the affected amino acid(s) is currently unknown. This variant has been observed in an individual with long QT syndrome (PMID: 17905336). However, in that individual a pathogenic allele was also identified in KCNQ1, which suggests that this c.508_513dup variant was not the primary cause of disease. The frequency data for this variant in the population databases is considered unreliable, as metrics indicate insufficient coverage at this position in the ExAC database. This variant, c.508_513dup, results in the insertion of 2 amino acid(s) to the KCNH2 protein (p.Leu170_Leu171dup), but otherwise preserves the integrity of the reading frame.

Literature cited by the submitters: PubMed 10753933 (cited by Victorian Clinical Genetics Services, Murdoch Childrens Research Institute); PubMed 17905336 (cited by Victorian Clinical Genetics Services, Murdoch Childrens Research Institute and Labcorp Genetics (formerly Invitae), Labcorp); PubMed 20301308 (cited by Victorian Clinical Genetics Services, Murdoch Childrens Research Institute); PubMed 21777565 (cited by Victorian Clinical Genetics Services, Murdoch Childrens Research Institute); PubMed 35688147 (cited by Victorian Clinical Genetics Services, Murdoch Childrens Research Institute).